The following is an entry in ClinVar:

NM_001128178.3(NPHP1):c.545T>C (p.Ile182Thr)

Gene: NPHP1 (nephrocystin 1; minus strand). Cytogenetic location: 2q13.
Variant type: single nucleotide variant.
Coding change: c.545T>C on transcript NM_001128178.3 (MANE Select); coding-DNA position 545, T replaced by C.
Protein change: p.Ile182Thr; replaces isoleucine 182 with threonine.
Molecular consequence: missense variant.
Genome position (GRCh38, 1-based): chr2:110,168,531, A>G on the plus strand (T>C on the coding strand, the complement: NPHP1 is on the minus strand). VCF-style: chr2-110168531-A-G. GRCh37 (hg19) VCF-style: chr2-110926108-A-G.
Other names: c.545T>C, p.Ile182Thr (NM_000272.5, NM_001374256.1, NM_001374257.1 and 1 more transcripts); c.359T>C, p.Ile120Thr (NM_001128179.3); short protein forms I120T, I182T.
Identifiers: ClinVar variation 1906118 (VCV001906118.2), dbSNP rs748347638, ClinGen allele CA1827361.
Genomic context (GRCh38, chr2:110,168,531, plus strand): 5'-ACAAGACCTTCATTTCCTTTGGCATCCTTAGCTATCCACCAACCATCAGGTTTTTTTTCA[A>G]TTACAAGGAGAATTTCCCCTTTCTTAAAGCAAAACAAAGTAAACCATTTTAAATAAAATT-3'
Protein context (NP_001121650.1, residues 172-192): TFKKGEILLV[Ile182Thr]EKKPDGWWIA

ClinVar aggregate classification (germline): Uncertain significance (1 of 4 stars; one submission).

Conditions:
Nephronophthisis. Also called: Juvenile Nephronophthisis. Identifiers: Orphanet 655, MedGen C0687120, MONDO:0019005, HP:0000090.

Allele frequency attached by ClinVar (database versions not stated): gnomAD exomes below 0.00001; ExAC 0.00001.
gnomAD v4.1: 2 of 1,612,102 alleles (0.00012%); highest among the groups gnomAD compares: East Asian, 0.0022%; no homozygotes.

Submission:

Labcorp Genetics (formerly Invitae), Labcorp
Classification: Uncertain significance for Nephronophthisis. Last evaluated: 2021-12-17. Review status: criteria provided, single submitter. Criteria: Invitae Variant Classification Sherloc (09022015). Collection method: clinical testing. Allele origin: germline.
Comment: This sequence change replaces isoleucine, which is neutral and non-polar, with threonine, which is neutral and polar, at codon 182 of the NPHP1 protein (p.Ile182Thr). This variant is present in population databases (rs748347638, gnomAD 0.003%). This variant has not been reported in the literature in individuals affected with NPHP1-related conditions. Algorithms developed to predict the effect of missense changes on protein structure and function output the following: SIFT: "Tolerated"; PolyPhen-2: "Benign"; Align-GVGD: "Class C0". The threonine amino acid residue is found in multiple mammalian species, which suggests that this missense change does not adversely affect protein function. In summary, the available evidence is currently insufficient to determine the role of this variant in disease. Therefore, it has been classified as a Variant of Uncertain Significance.